The following is an entry in ClinVar:

ClinVar aggregate classification (germline): Uncertain significance. Review status: criteria provided, multiple submitters, no conflicts (2 of 4 stars). 2 submissions from 2 submitters: Uncertain significance (2). Last evaluated 2025-07-03.

Conditions:
Microphthalmia, syndromic 11 (MCOPS11). Identifiers: MedGen C3553077, MONDO:0013734, OMIM 614402.

Allele frequency attached by ClinVar (database versions not stated): TOPMed below 0.00001.
gnomAD v4.1: 18 of 1,245,090 alleles (0.0014%); highest among the groups gnomAD compares: Admixed American, 0.0044%; no homozygotes.

Submissions (2):

Ambry Genetics
Classification: Uncertain significance. Last evaluated: 2025-07-03. Review status: criteria provided, single submitter. Criteria: Ambry Variant Classification Scheme 2023. Collection method: clinical testing. Allele origin: germline.

Labcorp Genetics (formerly Invitae), Labcorp
Classification: Uncertain significance for Microphthalmia, syndromic 11. Last evaluated: 2023-12-18. Review status: criteria provided, single submitter. Criteria: Invitae Variant Classification Sherloc (09022015). Collection method: clinical testing. Allele origin: germline.
Comment: This sequence change replaces serine, which is neutral and polar, with threonine, which is neutral and polar, at codon 213 of the VAX1 protein (p.Ser213Thr). The frequency data for this variant in the population databases is considered unreliable, as metrics indicate insufficient coverage at this position in the gnomAD database. This variant has not been reported in the literature in individuals affected with VAX1-related conditions. Advanced modeling of protein sequence and biophysical properties (such as structural, functional, and spatial information, amino acid conservation, physicochemical variation, residue mobility, and thermodynamic stability) performed at Invitae indicates that this missense variant is not expected to disrupt VAX1 protein function with a negative predictive value of 80%. In summary, the available evidence is currently insufficient to determine the role of this variant in disease. Therefore, it has been classified as a Variant of Uncertain Significance.

NM_001112704.2(VAX1):c.638G>C (p.Ser213Thr)

Gene: VAX1 (ventral anterior homeobox 1; minus strand). Cytogenetic location: 10q25.3.
Variant type: single nucleotide variant.
Coding change: c.638G>C on transcript NM_001112704.2 (MANE Select); coding-DNA position 638, G replaced by C.
Protein change: p.Ser213Thr; replaces serine 213 with threonine.
Molecular consequence: missense variant. On other transcripts: intron variant (1).
Genome position (GRCh38, 1-based): chr10:117,134,375, C>G on the plus strand (G>C on the coding strand, the complement: VAX1 is on the minus strand). VCF-style: chr10-117134375-C-G. GRCh37 (hg19) VCF-style: chr10-118893886-C-G.
Other names: c.638G>C (NM_001112704.1); c.430-1898G>C (NM_199131.3); short protein forms S213T.
Identifiers: ClinVar variation 2727679 (VCV002727679.4), dbSNP rs1157104990, ClinGen allele CA378557160.
Genomic context (GRCh38, chr10:117,134,375, plus strand): 5'-GCGGCGGCGGCGGCTGCGGCGGCCGAGCCTGCAGCGGCGCCCGCGCCCAGGGCCGGCAAG[C>G]TGGGCCCGCGCAGCGCTGAGCCGAGAGCGCCCGTGGCGCAAGGCGGCAGCAGCGCAGGCA-3'
Protein context (NP_001106175.1, residues 203-223): GALGSALRGP[Ser213Thr]LPALGAGAAA